The following is an entry in ClinVar:

ClinVar aggregate classification (germline): Pathogenic (1 of 4 stars; one submission).

Conditions:
Duchenne muscular dystrophy (DMD). Also called: Duchenne Muscular Dystrophy (DMD); MUSCULAR DYSTROPHY, PSEUDOHYPERTROPHIC PROGRESSIVE, DUCHENNE TYPE. Identifiers: Orphanet 98896, MedGen C0013264, MONDO:0010679, OMIM 310200.

Submission:

Labcorp Genetics (formerly Invitae), Labcorp
Classification: Pathogenic for Duchenne muscular dystrophy. Last evaluated: 2022-08-24. Review status: criteria provided, single submitter. Criteria: Invitae Variant Classification Sherloc (09022015). Collection method: clinical testing. Allele origin: germline.
Comment: For these reasons, this variant has been classified as Pathogenic. A similar copy number variant has been observed in individuals with Duchenne or Becker muscular dystrophy (PMID: 16917894). This variant results in a copy number gain of the genomic region encompassing exon(s) 7 of the DMD gene. While the exact position of this variant cannot be determined from the data, sub-genic copy number gains are generally in tandem (PMID: 25640679). This variant is predicted to be out-of-frame, and may result in an absent or disrupted protein product. Loss-of-function variants in DMD are known to be pathogenic (PMID: 16770791, 25007885).

Literature cited by the submitters: PubMed 16917894; PubMed 25640679; PubMed 16770791; PubMed 25007885.

NC_000023.10:g.(?_32827590)_(32827748_?)dup

Gene: DMD (dystrophin; minus strand). Cytogenetic location: Xp21.1.
Variant type: Duplication.
Identifiers: ClinVar variation 2424947 (VCV002424947.5).